The following is an entry in ClinVar:

ClinVar aggregate classification (germline): Pathogenic. Review status: criteria provided, multiple submitters, no conflicts (2 of 4 stars). 5 submissions from 5 submitters: Pathogenic (5). Last evaluated 2025-12-01.

Conditions:
ABCA4-related disorder. Also called: ABCA4-related condition; ABCA4-related disorders. Identifiers: MedGen CN239167.
Severe early-childhood-onset retinal dystrophy (STGD1). Also called: Stargardt macular dystrophy; Juvenile onset macular degeneration; Stargardt disease 1; MACULAR DYSTROPHY WITH FLECKS, TYPE 1; STGD. Identifiers: Orphanet 364055, Orphanet 827, MedGen C1855465, MeSH D000080362, MONDO:0009549, OMIM 248200.
Cone-rod dystrophy 3 (CORD3). Identifiers: Orphanet 1872, MedGen C1858806, MONDO:0011395, OMIM 604116.
Retinitis pigmentosa 19 (RP19). Also called: ABCA4-Related Retinitis Pigmentosa. Identifiers: Orphanet 791, MedGen C1866422, MONDO:0011137, OMIM 601718.
Age related macular degeneration 2. Also called: MACULAR DEGENERATION, SENILE; MACULOPATHY, AGE-RELATED, 2; MACULOPATHY, AGE-RELATED. Identifiers: MedGen C3495438, MONDO:0007932, OMIM 153800.
Retinal dystrophy. Also called: Inherited retinal dystrophy. Identifiers: Orphanet 71862, MedGen C0854723, MeSH D058499, MONDO:0019118, HP:0000556.

Allele frequency attached by ClinVar (database versions not stated): gnomAD exomes below 0.00001; gnomAD 0.00001 and below 0.00001; ExAC 0.00001.
gnomAD v4.1: 6 of 1,613,992 alleles (0.00037%); highest among the groups gnomAD compares: South Asian, 0.0066%; no homozygotes.

Submissions (5):

Labcorp Genetics (formerly Invitae), Labcorp
Classification: Pathogenic. Last evaluated: 2025-12-01. Review status: criteria provided, single submitter. Criteria: Invitae Variant Classification Sherloc (09022015). Collection method: clinical testing. Allele origin: germline.
Comment: This sequence change creates a premature translational stop signal (p.Tyr665*) in the ABCA4 gene. It is expected to result in an absent or disrupted protein product. Loss-of-function variants in ABCA4 are known to be pathogenic (PMID: 10958761, 24938718, 25312043, 26780318). This variant is present in population databases (rs757302286, gnomAD 0.003%). This premature translational stop signal has been observed in individual(s) with ABCA4-related conditions (PMID: 19339744, 25474345, 28327576). ClinVar contains an entry for this variant (Variation ID: 866511). For these reasons, this variant has been classified as Pathogenic.

Fulgent Genetics
Classification: Pathogenic for Age related macular degeneration 2; Severe early-childhood-onset retinal dystrophy; Retinitis pigmentosa 19; Cone-rod dystrophy 3. Last evaluated: 2024-03-02. Review status: criteria provided, single submitter. Criteria: ACMG Guidelines, 2015. Collection method: clinical testing. Allele origin: germline.

Blueprint Genetics
Classification: Pathogenic for ABCA4-related disorders. Last evaluated: 2023-07-18. Review status: criteria provided, single submitter. Criteria: ACMG Guidelines, 2015. Collection method: clinical testing. Allele origin: germline. Affected: yes. Observed: 5 variant alleles.

Ocular Genomics Institute, Massachusetts Eye and Ear
Classification: Pathogenic for Severe early-childhood-onset retinal dystrophy. Last evaluated: 2021-04-08. Review status: criteria provided, single submitter. Criteria: ACMG Guidelines, 2015. Collection method: research. Allele origin: germline. Affected: yes.
Comment: Through a review of available evidence we were able to apply the following criteria: PM2, PVS1, PP1, PM3. Based on this evidence we have classified this variant as Pathogenic.

Institute of Human Genetics, Univ. Regensburg, Univ. Regensburg
Classification: Pathogenic for Retinal dystrophy. Last evaluated: 2021-01-01. Review status: criteria provided, single submitter. Criteria: ACMG Guidelines, 2015. Collection method: clinical testing. Allele origin: germline. Affected: yes.

Literature cited by the submitters: PubMed 10958761 (cited by Labcorp Genetics (formerly Invitae), Labcorp); PubMed 24938718 (cited by Labcorp Genetics (formerly Invitae), Labcorp); PubMed 25312043 (cited by Labcorp Genetics (formerly Invitae), Labcorp); PubMed 26780318 (cited by Labcorp Genetics (formerly Invitae), Labcorp); PubMed 19339744 (cited by 3 submitters); PubMed 25474345 (cited by 3 submitters); PubMed 28327576 (cited by Labcorp Genetics (formerly Invitae), Labcorp); PubMed 25525159 (cited by Ocular Genomics Institute, Massachusetts Eye and Ear and Institute of Human Genetics, Univ. Regensburg, Univ. Regensburg); PubMed 31964843 (cited by Institute of Human Genetics, Univ. Regensburg, Univ. Regensburg); PubMed 31816670 (cited by Institute of Human Genetics, Univ. Regensburg, Univ. Regensburg).

NM_000350.3(ABCA4):c.1995C>A (p.Tyr665Ter)

Gene: ABCA4 (ATP binding cassette subfamily A member 4; minus strand). Cytogenetic location: 1p22.1.
Variant type: single nucleotide variant.
Coding change: c.1995C>A on transcript NM_000350.3 (MANE Select); coding-DNA position 1995, C replaced by A.
Protein change: p.Tyr665Ter; replaces tyrosine 665 with a stop codon.
Molecular consequence: nonsense.
Genome position (GRCh38, 1-based): chr1:94,060,702, G>T on the plus strand (C>A on the coding strand, the complement: ABCA4 is on the minus strand). VCF-style: chr1-94060702-G-T. GRCh37 (hg19) VCF-style: chr1-94526258-G-T.
Other names: c.1995C>A, p.Tyr665Ter (NM_001425324.1); short protein forms Y665*.
Identifiers: ClinVar variation 866511 (VCV000866511.11), dbSNP rs757302286, ClinGen allele CA958369.
Genomic context (GRCh38, chr1:94,060,702, plus strand): 5'-GGTCTCCTTCAGTCGCAACTCCTTCTCCAAGACGATGCTCTTCACAGTCATGGAGACAGA[G>T]TAGATCCATGCCAGCACCATGAAGATAGGGAAACAGCGGTTCAGGATGATCATGAAACTA-3'